The following is an entry in ClinVar:

ClinVar aggregate classification (germline): Uncertain significance. Review status: criteria provided, multiple submitters, no conflicts (2 of 4 stars). 2 submissions from 2 submitters: Uncertain significance (2). Last evaluated 2026-02-25.

Conditions:
Ehlers-Danlos syndrome, classic type (cEDS). Identifiers: Orphanet 287, MedGen C4225429, MONDO:0007522.

Allele frequency attached by ClinVar (database versions not stated): TOPMed below 0.00001.
gnomAD v4.1: 1 of 1,549,780 alleles (0.000065%); highest among the groups gnomAD compares: Non-Finnish European, 0.000087%; no homozygotes.

Submissions (2):

Women's Health and Genetics/Laboratory Corporation of America, LabCorp
Classification: Uncertain significance. Last evaluated: 2026-02-25. Review status: criteria provided, single submitter. Criteria: LabCorp Variant Classification Summary - May 2015. Collection method: clinical testing. Allele origin: germline.
Comment: Variant summary: COL5A1 c.3325C>T (p.Pro1109Ser) results in a non-conservative amino acid change in the encoded protein sequence. Algorithms developed to predict the effect of missense changes on protein structure and function all suggest that this variant is likely to be disruptive. The variant was absent in 154206 control chromosomes. The available data on variant occurrences in the general population are insufficient to allow any conclusion about variant significance. To our knowledge, no occurrence of c.3325C>T in individuals affected with COL5A1-related conditions and no experimental evidence demonstrating its impact on protein function have been reported. ClinVar contains an entry for this variant (Variation ID: 3068687). Based on the evidence outlined above, the variant was classified as uncertain significance.

Molecular Genetics, Royal Melbourne Hospital
Classification: Uncertain significance for Ehlers-Danlos syndrome, classic type. Last evaluated: 2023-07-07. Review status: criteria provided, single submitter. Criteria: ACMG Guidelines, 2015. Collection method: clinical testing. Allele origin: germline. Inheritance: Autosomal dominant inheritance.
Comment: This sequence change in COL5A1 is predicted to replace proline with serine at codon 1109, p.(Pro1109Ser). The proline residue is highly conserved (100 vertebrates, UCSC), and is located in the collagen triple helix domain. There is a moderate physicochemical difference between proline and serine. This variant is absent from the population database gnomAD v2.1 and v3.1. To our knowledge, this variant is novel and has not been previously reported in the relevant scientific literature or databases. Computational evidence is uninformative for the missense substitution (REVEL = 0.561). Based on the classification scheme RMH Modified ACMG/AMP Guidelines v1.6.1, this variant is classified as a VARIANT OF UNCERTAIN SIGNIFICANCE. Following criteria are met: PM2_Supporting.

NM_000093.5(COL5A1):c.3325C>T (p.Pro1109Ser)

Gene: COL5A1 (collagen type V alpha 1 chain; plus strand). Cytogenetic location: 9q34.3.
Variant type: single nucleotide variant.
Coding change: c.3325C>T on transcript NM_000093.5 (MANE Select); coding-DNA position 3325, C replaced by T.
Protein change: p.Pro1109Ser; replaces proline 1109 with serine.
Molecular consequence: missense variant.
Genome position (GRCh38, 1-based): chr9:134,806,255, C>T. VCF-style: chr9-134806255-C-T. GRCh37 (hg19) VCF-style: chr9-137698101-C-T.
Other names: c.3325C>T, p.Pro1109Ser (NM_001278074.1); short protein forms P1109S.
Identifiers: ClinVar variation 3068687 (VCV003068687.2), dbSNP rs1225763044, ClinGen allele CA375451746.